The following is an entry in ClinVar:

ClinVar aggregate classification (germline): Uncertain significance (1 of 4 stars; one submission).

Allele frequency attached by ClinVar (database versions not stated): TOPMed 0.00002.
gnomAD v4.1: 1 of 1,601,782 alleles (0.000062%); highest among the groups gnomAD compares: African/African-American, 0.0013%; no homozygotes.

Submission:

Labcorp Genetics (formerly Invitae), Labcorp
Classification: Uncertain significance. Last evaluated: 2022-03-09. Review status: criteria provided, single submitter. Criteria: Invitae Variant Classification Sherloc (09022015). Collection method: clinical testing. Allele origin: germline.
Comment: This sequence change replaces glutamine, which is neutral and polar, with arginine, which is basic and polar, at codon 44 of the WHRN protein (p.Gln44Arg). This variant is not present in population databases (gnomAD no frequency). This variant has not been reported in the literature in individuals affected with WHRN-related conditions. ClinVar contains an entry for this variant (Variation ID: 1016557). Algorithms developed to predict the effect of missense changes on protein structure and function (SIFT, PolyPhen-2, Align-GVGD) all suggest that this variant is likely to be tolerated. In summary, the available evidence is currently insufficient to determine the role of this variant in disease. Therefore, it has been classified as a Variant of Uncertain Significance.

NM_015404.4(WHRN):c.131A>G (p.Gln44Arg)

Gene: WHRN (whirlin; minus strand). Cytogenetic location: 9q32.
Variant type: single nucleotide variant.
Coding change: c.131A>G on transcript NM_015404.4 (MANE Select); coding-DNA position 131, A replaced by G.
Protein change: p.Gln44Arg; replaces glutamine 44 with arginine.
Molecular consequence: missense variant.
Genome position (GRCh38, 1-based): chr9:114,504,671, T>C on the plus strand (A>G on the coding strand, the complement: WHRN is on the minus strand). VCF-style: chr9-114504671-T-C. GRCh37 (hg19) VCF-style: chr9-117266951-T-C.
Other names: c.131A>G, p.Gln44Arg (NM_001173425.2); short protein forms Q44R.
Identifiers: ClinVar variation 1016557 (VCV001016557.4), dbSNP rs766912207, ClinGen allele CA374614128.